The following is an entry in ClinVar:

ClinVar aggregate classification (germline): Uncertain significance. Review status: criteria provided, multiple submitters, no conflicts (2 of 4 stars). 2 submissions from 2 submitters: Uncertain significance (2). Last evaluated 2026-08-22.

Conditions:
Hereditary cancer-predisposing syndrome. Also called: Hereditary Cancer Syndrome; Neoplastic Syndromes, Hereditary; Hereditary neoplastic syndrome; Tumor predisposition. Identifiers: Orphanet 140162, MedGen C0027672, MeSH D009386, MONDO:0015356.
Multiple endocrine neoplasia, type 2 (MEN2). Identifiers: Orphanet 653, MedGen C4048306, MONDO:0019003. Disease mechanism: gain of function.

Allele frequency attached by ClinVar (database versions not stated): gnomAD exomes below 0.00001.
gnomAD v4.1: 1 of 1,613,590 alleles (0.000062%); highest among the groups gnomAD compares: Non-Finnish European, 0.000085%; no homozygotes.

Submissions (2):

Ambry Genetics
Classification: Uncertain significance for Hereditary cancer-predisposing syndrome. Last evaluated: 2026-08-22. Review status: criteria provided, single submitter. Criteria: Ambry Variant Classification Scheme 2023. Collection method: clinical testing. Allele origin: germline.
Comment: The p.S413N variant (also known as c.1238G>A), located in coding exon 6 of the RET gene, results from a G to A substitution at nucleotide position 1238. The serine at codon 413 is replaced by asparagine, an amino acid with highly similar properties. This amino acid position is conserved. In addition, this alteration is predicted to be tolerated by in silico analysis. Based on the available evidence, the clinical significance of this variant remains unclear.

Labcorp Genetics (formerly Invitae), Labcorp
Classification: Uncertain significance for Multiple endocrine neoplasia, type 2. Last evaluated: 2021-07-08. Review status: criteria provided, single submitter. Criteria: Invitae Variant Classification Sherloc (09022015). Collection method: clinical testing. Allele origin: germline.
Comment: In summary, the available evidence is currently insufficient to determine the role of this variant in disease. Therefore, it has been classified as a Variant of Uncertain Significance. Algorithms developed to predict the effect of missense changes on protein structure and function output the following: SIFT: "Tolerated"; PolyPhen-2: "Benign"; Align-GVGD: "Class C0". The asparagine amino acid residue is found in multiple mammalian species, which suggests that this missense change does not adversely affect protein function. This variant has not been reported in the literature in individuals affected with RET-related conditions. This variant is not present in population databases (ExAC no frequency). This sequence change replaces serine with asparagine at codon 413 of the RET protein (p.Ser413Asn). The serine residue is weakly conserved and there is a small physicochemical difference between serine and asparagine.

NM_020975.6(RET):c.1238G>A (p.Ser413Asn)

Gene: RET (ret proto-oncogene; plus strand). Cytogenetic location: 10q11.21.
Variant type: single nucleotide variant.
Coding change: c.1238G>A on transcript NM_020975.6 (MANE Select); coding-DNA position 1238, G replaced by A.
Protein change: p.Ser413Asn; replaces serine 413 with asparagine.
Molecular consequence: missense variant.
Genome position (GRCh38, 1-based): chr10:43,109,205, G>A. VCF-style: chr10-43109205-G-A. GRCh37 (hg19) VCF-style: chr10-43604653-G-A.
Other names: c.1238G>A, p.Ser413Asn (NM_000323.2, NM_001406743.1, NM_001406744.1 and 6 more transcripts); c.476G>A, p.Ser159Asn (NM_001355216.2); c.1109G>A, p.Ser370Asn (NM_001406761.1, NM_001406762.1, NM_001406764.1 and 1 more transcripts); c.950G>A, p.Ser317Asn (NM_001406766.1, NM_001406767.1, NM_001406770.1); c.800G>A, p.Ser267Asn (NM_001406771.1, NM_001406773.1); c.512G>A, p.Ser171Asn (NM_001406775.1, NM_001406776.1, NM_001406777.1 and 1 more transcripts); c.248G>A, p.Ser83Asn (NM_001406784.1); short protein forms S159N, S413N, S171N, S267N, S317N, S370N, S83N.
Identifiers: ClinVar variation 1366298 (VCV001366298.10), dbSNP rs1837859435, ClinGen allele CA376547987.